The following is an entry in ClinVar:

ClinVar aggregate classification (germline): Uncertain significance (1 of 4 stars; one submission).

Submission:

GeneDx
Classification: Uncertain significance. Last evaluated: 2025-03-03. Review status: criteria provided, single submitter. Criteria: GeneDx Variant Classification Process June 2021. Collection method: clinical testing. Allele origin: germline. Affected: yes.
Comment: Not observed at significant frequency in large population cohorts (gnomAD); In silico analysis indicates that this missense variant does not alter protein structure/function; Has not been previously published as pathogenic or benign to our knowledge

NM_001135998.3(NDUFB11):c.37C>A (p.Leu13Ile)

Gene: NDUFB11 (NADH:ubiquinone oxidoreductase subunit B11; minus strand). Cytogenetic location: Xp11.3.
Variant type: single nucleotide variant.
Coding change: c.37C>A on transcript NM_001135998.3 (MANE Select); coding-DNA position 37, C replaced by A.
Protein change: p.Leu13Ile; replaces leucine 13 with isoleucine.
Molecular consequence: missense variant.
Genome position (GRCh38, 1-based): chrX:47,144,643, G>T on the plus strand (C>A on the coding strand, the complement: NDUFB11 is on the minus strand). VCF-style: chrX-47144643-G-T. GRCh37 (hg19) VCF-style: chrX-47004042-G-T.
Other names: c.37C>A, p.Leu13Ile (NM_019056.7); short protein forms L13I.
Identifiers: ClinVar variation 4083428 (VCV004083428.1).